The following is an entry in ClinVar:

NM_001197104.2(KMT2A):c.3349G>C (p.Ala1117Pro)

Gene: KMT2A (lysine methyltransferase 2A; plus strand). Cytogenetic location: 11q23.3.
Variant type: single nucleotide variant.
Coding change: c.3349G>C on transcript NM_001197104.2 (MANE Select); coding-DNA position 3349, G replaced by C.
Protein change: p.Ala1117Pro; replaces alanine 1117 with proline.
Molecular consequence: missense variant.
Genome position (GRCh38, 1-based): chr11:118,477,981, G>C. VCF-style: chr11-118477981-G-C. GRCh37 (hg19) VCF-style: chr11-118348696-G-C.
Other names: c.3448G>C, p.Ala1150Pro (NM_001412597.1); c.3349G>C, p.Ala1117Pro (NM_005933.4); short protein forms A1117P, A1150P.
Identifiers: ClinVar variation 3776710 (VCV003776710.1).

ClinVar aggregate classification (germline): Uncertain significance (1 of 4 stars; one submission).

Submission:

GeneDx
Classification: Uncertain significance. Last evaluated: 2024-10-07. Review status: criteria provided, single submitter. Criteria: GeneDx Variant Classification Process June 2021. Collection method: clinical testing. Allele origin: germline. Affected: yes.
Comment: Not observed at significant frequency in large population cohorts (gnomAD); In silico analysis indicates that this missense variant does not alter protein structure/function; Has not been previously published as pathogenic or benign to our knowledge